The following is an entry in ClinVar:

ClinVar aggregate classification (germline): Uncertain significance. Review status: criteria provided, multiple submitters, no conflicts (2 of 4 stars). 2 submissions from 2 submitters: Uncertain significance (2). Last evaluated 2025-06-22.

Conditions:
Inborn genetic diseases. Identifiers: MedGen C0950123, MeSH D030342.

Allele frequency attached by ClinVar (database versions not stated): TOPMed 0.00002; gnomAD 0.00003 and 0.00004; gnomAD exomes 0.00004 and 0.00005; ExAC 0.00005; ESP Exome Variant Server 0.00008.
gnomAD v4.1: 80 of 1,609,524 alleles (0.005%); highest among the groups gnomAD compares: Non-Finnish European, 0.0066%; no homozygotes.

Submissions (2):

Ambry Genetics
Classification: Uncertain significance for Inborn genetic diseases. Last evaluated: 2025-06-22. Review status: criteria provided, single submitter. Criteria: Ambry Variant Classification Scheme 2023. Collection method: clinical testing. Allele origin: germline.

Labcorp Genetics (formerly Invitae), Labcorp
Classification: Uncertain significance. Last evaluated: 2021-08-28. Review status: criteria provided, single submitter. Criteria: Invitae Variant Classification Sherloc (09022015). Collection method: clinical testing. Allele origin: germline.
Comment: This sequence change replaces phenylalanine with isoleucine at codon 2 of the FKBP10 protein (p.Phe2Ile). The phenylalanine residue is weakly conserved and there is a small physicochemical difference between phenylalanine and isoleucine. This variant is present in population databases (rs370772194, ExAC 0.009%). This variant has not been reported in the literature in individuals affected with FKBP10-related conditions. Algorithms developed to predict the effect of missense changes on protein structure and function (SIFT, PolyPhen-2, Align-GVGD) all suggest that this variant is likely to be tolerated. In summary, the available evidence is currently insufficient to determine the role of this variant in disease. Therefore, it has been classified as a Variant of Uncertain Significance.

NM_021939.4(FKBP10):c.4T>A (p.Phe2Ile)

Gene: FKBP10 (FKBP prolyl isomerase 10; plus strand). Cytogenetic location: 17q21.2.
Variant type: single nucleotide variant.
Coding change: c.4T>A on transcript NM_021939.4 (MANE Select); coding-DNA position 4, T replaced by A.
Protein change: p.Phe2Ile; replaces phenylalanine 2 with isoleucine.
Molecular consequence: missense variant.
Genome position (GRCh38, 1-based): chr17:41,813,038, T>A. VCF-style: chr17-41813038-T-A. GRCh37 (hg19) VCF-style: chr17-39969290-T-A.
Other names: c.4T>A (NM_021939.3); short protein forms F2I.
Identifiers: ClinVar variation 1496467 (VCV001496467.6), dbSNP rs370772194, ClinGen allele CA8566101.